The following is an entry in ClinVar:

ClinVar aggregate classification (germline): Conflicting classifications of pathogenicity. Review status: criteria provided, conflicting classifications (1 of 4 stars). 6 submissions from 6 submitters: Uncertain significance (4); Likely benign (1). 1 of the submissions does not count toward it. Last evaluated 2025-11-15.

Conditions:
Macrothrombocytopenia and granulocyte inclusions with or without nephritis or sensorineural hearing loss (MATINS). Also called: SEBASTIAN PLATELET SYNDROME; MACROTHROMBOCYTOPENIA WITH DISPERSED LEUKOCYTIC INCLUSIONS; MACROTHROMBOCYTOPENIA, NEPHRITIS, AND DEAFNESS; MACROTHROMBOCYTOPENIA, NEPHRITIS, DEAFNESS, AND LEUKOCYTE INCLUSIONS; ALPORT SYNDROME WITH MACROTHROMBOCYTOPENIA; Fechtner syndrome. Identifiers: Orphanet 182050, MedGen C5200934, MONDO:0015912, OMIM 155100.
MYH9-related disorder. Identifiers: MedGen C1854520.
Inborn genetic diseases. Identifiers: MedGen C0950123, MeSH D030342.

Allele frequency attached by ClinVar (database versions not stated): ExAC 0.00005; gnomAD 0.00006; TOPMed 0.00008; 1000 Genomes Project 30x 0.00031; 1000 Genomes Project 0.00040.
gnomAD v4.1: 48 of 1,611,080 alleles (0.003%); highest among the groups gnomAD compares: African/African-American, 0.015%; no homozygotes.

Submissions (6):

Mayo Clinic Laboratories, Mayo Clinic
Classification: Uncertain significance. Last evaluated: 2025-11-15. Review status: criteria provided, single submitter. Criteria: ACMG Guidelines, 2015. Collection method: clinical testing. Allele origin: germline. Observed: 1 variant allele.
Comment: BS1, PP2, PP3_moderate

Labcorp Genetics (formerly Invitae), Labcorp
Classification: Uncertain significance. Last evaluated: 2025-07-07. Review status: criteria provided, single submitter. Criteria: Invitae Variant Classification Sherloc (09022015). Collection method: clinical testing. Allele origin: germline.
Comment: This sequence change replaces arginine, which is basic and polar, with histidine, which is basic and polar, at codon 1694 of the MYH9 protein (p.Arg1694His). This variant is present in population databases (rs538330756, gnomAD 0.008%). This variant has not been reported in the literature in individuals affected with MYH9-related conditions. ClinVar contains an entry for this variant (Variation ID: 599087). Invitae Evidence Modeling of protein sequence and biophysical properties (such as structural, functional, and spatial information, amino acid conservation, physicochemical variation, residue mobility, and thermodynamic stability) indicates that this missense variant is not expected to disrupt MYH9 protein function with a negative predictive value of 80%. In summary, the available evidence is currently insufficient to determine the role of this variant in disease. Therefore, it has been classified as a Variant of Uncertain Significance.

PreventionGenetics, part of Exact Sciences
Classification: Uncertain significance for MYH9-related condition. Last evaluated: 2025-05-22. Review status: criteria provided, single submitter. Criteria: ACMG Guidelines, 2015. Collection method: clinical testing. Allele origin: germline.
Comment: The MYH9 c.5081G>A variant is predicted to result in the amino acid substitution p.Arg1694His. To our knowledge, this variant has not been reported in the literature. This variant is reported in 0.0081% of alleles in individuals of African descent in gnomAD. At this time, the clinical significance of this variant is uncertain due to the absence of conclusive functional and genetic evidence.

Ambry Genetics
Classification: Likely benign for Inborn genetic diseases. Last evaluated: 2025-05-18. Review status: criteria provided, single submitter. Criteria: Ambry Variant Classification Scheme 2023. Collection method: clinical testing. Allele origin: germline.

GeneDx
Classification: Uncertain significance. Last evaluated: 2022-04-11. Review status: criteria provided, single submitter. Criteria: GeneDx Variant Classification Process June 2021. Collection method: clinical testing. Allele origin: germline. Affected: yes.
Comment: In silico analysis supports that this missense variant has a deleterious effect on protein structure/function; Has not been previously published as pathogenic or benign to our knowledge

Bioscientia Institut fuer Medizinische Diagnostik GmbH, Sonic Healthcare
Classification: Uncertain significance for Macrothrombocytopenia and granulocyte inclusions with or without nephritis or sensorineural hearing loss. Last evaluated: 2018-03-05. Review status: no assertion criteria provided. Collection method: clinical testing. Allele origin: germline. Affected: yes. Not counted in ClinVar's aggregate classification.

NM_002473.6(MYH9):c.5081G>A (p.Arg1694His)

Gene: MYH9 (myosin heavy chain 9; minus strand). Cytogenetic location: 22q12.3.
Variant type: single nucleotide variant.
Coding change: c.5081G>A on transcript NM_002473.6 (MANE Select); coding-DNA position 5081, G replaced by A.
Protein change: p.Arg1694His; replaces arginine 1694 with histidine.
Molecular consequence: missense variant.
Genome position (GRCh38, 1-based): chr22:36,285,934, C>T on the plus strand (G>A on the coding strand, the complement: MYH9 is on the minus strand). VCF-style: chr22-36285934-C-T. GRCh37 (hg19) VCF-style: chr22-36681980-C-T.
Other names: p.Arg1694His; short protein forms R1694H.
Identifiers: ClinVar variation 599087 (VCV000599087.10), dbSNP rs538330756, ClinGen allele CA10209176.